The following is an entry in ClinVar:

NM_001267550.2(TTN):c.90825G>A (p.Val30275=)

Genes: TTN (titin; minus strand), TTN-AS1 (TTN antisense RNA 1; plus strand). Cytogenetic location: 2q31.2.
Variant type: single nucleotide variant.
Coding change: c.90825G>A on transcript NM_001267550.2 (MANE Select); coding-DNA position 90825, G replaced by A.
Protein change: p.Val30275=; no amino-acid change (valine 30275 retained).
Molecular consequence: synonymous variant.
Genome position (GRCh38, 1-based): chr2:178,552,075, C>T on the plus strand (G>A on the coding strand, the complement: TTN is on the minus strand). VCF-style: chr2-178552075-C-T. GRCh37 (hg19) VCF-style: chr2-179416802-C-T.
Other names: c.85902G>A, p.Val28634= (NM_001256850.1); c.63630G>A, p.Val21210= (NM_003319.4); c.83121G>A, p.Val27707= (NM_133378.4); c.64005G>A, p.Val21335= (NM_133432.3); c.64206G>A, p.Val21402= (NM_133437.4).
Identifiers: ClinVar variation 1566339 (VCV001566339.10), dbSNP rs752704041, ClinGen allele CA1987737.

ClinVar aggregate classification (germline): Likely benign. Review status: criteria provided, multiple submitters, no conflicts (2 of 4 stars). 3 submissions from 3 submitters: Likely benign (3). Last evaluated 2026-09-06.

Conditions:
TTN-related disorder. Also called: TTN-related condition; TTN-related disease; TTN-related disorders.
Cardiovascular phenotype. Identifiers: MedGen CN230736.
Dilated cardiomyopathy 1G (CMD1G). Identifiers: Orphanet 154, MedGen C1858763, MONDO:0011400, OMIM 604145.
Autosomal recessive limb-girdle muscular dystrophy type 2J (LGMDR10). Also called: Limb-girdle muscular dystrophy, type 2J; MUSCULAR DYSTROPHY, LIMB-GIRDLE, AUTOSOMAL RECESSIVE 10. Identifiers: Orphanet 140922, MedGen C1837342, MONDO:0012127, OMIM 608807.

Allele frequency attached by ClinVar (database versions not stated): gnomAD exomes below 0.00001; TOPMed below 0.00001; ExAC 0.00001.
gnomAD v4.1: 1 of 1,613,764 alleles (0.000062%); highest among the groups gnomAD compares: Non-Finnish European, 0.000085%; no homozygotes.

Submissions (3):

PreventionGenetics, part of Exact Sciences
Classification: Likely benign for TTN-related condition. Last evaluated: 2026-09-06. Review status: criteria provided, single submitter. Criteria: ACMG Guidelines, 2015. Collection method: clinical testing. Allele origin: germline.
Comment: This variant is classified as likely benign based on ACMG/AMP sequence variant interpretation guidelines (Richards et al. 2015 PMID: 25741868, with internal and published modifications).

Ambry Genetics
Classification: Likely benign for Cardiovascular phenotype. Last evaluated: 2026-08-08. Review status: criteria provided, single submitter. Criteria: Ambry Variant Classification Scheme 2023. Collection method: clinical testing. Allele origin: germline.

Labcorp Genetics (formerly Invitae), Labcorp
Classification: Likely benign for Dilated cardiomyopathy 1G; Autosomal recessive limb-girdle muscular dystrophy type 2J. Last evaluated: 2024-06-25. Review status: criteria provided, single submitter. Criteria: Invitae Variant Classification Sherloc (09022015). Collection method: clinical testing. Allele origin: germline.